The following is an entry in ClinVar:

ClinVar aggregate classification (germline): Uncertain significance. Review status: criteria provided, multiple submitters, no conflicts (2 of 4 stars). 3 submissions from 3 submitters: Uncertain significance (3). Last evaluated 2025-01-17.

Conditions:
Cardiovascular phenotype. Identifiers: MedGen CN230736.
Hereditary cancer-predisposing syndrome. Also called: Hereditary neoplastic syndrome; Hereditary Cancer Syndrome; Neoplastic Syndromes, Hereditary; Tumor predisposition. Identifiers: Orphanet 140162, MedGen C0027672, MeSH D009386, MONDO:0015356.
LZTR1-related schwannomatosis. Also called: Schwannomatosis 2; Schwannomatosis-2, susceptibility to. Identifiers: Orphanet 93921, MedGen C3810283, MONDO:0014299, OMIM 615670.
Noonan syndrome 10 (NS10). Identifiers: Orphanet 648, MedGen C4225280, MONDO:0014693, OMIM 616564.
Noonan syndrome 2 (NS2). Identifiers: Orphanet 648, MedGen C1854469, MONDO:0011531, OMIM 605275.

Submissions (3):

MVZ Medizinische Genetik Mainz
Classification: Uncertain significance for Noonan syndrome 10. Last evaluated: 2025-01-17. Review status: criteria provided, single submitter. Criteria: UK Practice Guidelines For Variant Classification V4 01 2020. Collection method: clinical testing. Allele origin: germline. Inheritance: Autosomal dominant inheritance. Affected: yes. Observed: 1 variant allele.
Comment: ACMG Criteria: PM2_SUP,PM6_SUP,PP3

Ambry Genetics
Classification: Uncertain significance for Cardiovascular phenotype; Hereditary cancer-predisposing syndrome. Last evaluated: 2024-09-05. Review status: criteria provided, single submitter. Criteria: Ambry Variant Classification Scheme 2023. Collection method: clinical testing. Allele origin: germline.
Comment: The p.G245R variant (also known as c.733G>C), located in coding exon 8 of the LZTR1 gene, results from a G to C substitution at nucleotide position 733. The glycine at codon 245 is replaced by arginine, an amino acid with dissimilar properties. This amino acid position is conserved. In addition, this alteration is predicted to be deleterious by in silico analysis. Based on the available evidence, the clinical significance of this variant remains unclear.

Juno Genomics, Hangzhou Juno Genomics, Inc
Classification: Uncertain significance for LZTR1-related schwannomatosis; Noonan syndrome 10; Noonan syndrome 2. Review status: criteria provided, single submitter. Criteria: ACMG Guidelines, 2015. Collection method: clinical testing. Allele origin: germline.
Comment: Absent from controls (or at extremely low frequency if recessive) in Genome Aggregation Database.;Multiple lines of computational evidence support a deleterious effect on the gene or gene product.

NM_006767.4(LZTR1):c.733G>C (p.Gly245Arg)

Gene: LZTR1 (leucine zipper like post translational regulator 1; plus strand). Cytogenetic location: 22q11.21.
Variant type: single nucleotide variant.
Coding change: c.733G>C on transcript NM_006767.4 (MANE Select); coding-DNA position 733, G replaced by C.
Protein change: p.Gly245Arg; replaces glycine 245 with arginine.
Molecular consequence: missense variant.
Genome position (GRCh38, 1-based): chr22:20,990,467, G>C. VCF-style: chr22-20990467-G-C. GRCh37 (hg19) VCF-style: chr22-21344756-G-C.
Other names: short protein forms G245R.
Identifiers: ClinVar variation 3541620 (VCV003541620.4).